The following is an entry in ClinVar:

NM_022463.5(NXN):c.201GCCGGG[3] (p.68PG[3])

Gene: NXN (nucleoredoxin; minus strand). Cytogenetic location: 17p13.3.
Variant type: Microsatellite.
Coding change: c.201GCCGGG[3] on transcript NM_022463.5 (MANE Select); three copies in a row of the 6-base unit GCCGGG starting at c.201; the reference has two copies in a row; one copy, 6 bases duplicated.
Protein change: p.68PG[3].
Molecular consequence: inframe insertion.
Genome position (GRCh38, 1-based): chr17:979,467-979,472, CCCGGC duplicated on the plus strand (GCCGGG on the coding strand, the reverse complement: NXN is on the minus strand); duplicating any 6 consecutive bases within chr17:979,467-979,480 gives the same sequence; the position shown is the placement nearest the transcript's 3' end. VCF-style (leftmost placement, unchanged base first): chr17-979466-T-TCCCGGC. GRCh37 (hg19) VCF-style: chr17-882706-T-TCCCGGC.
Identifiers: ClinVar variation 1361606 (VCV001361606.4), dbSNP rs779356790, ClinGen allele CA8264294.

ClinVar aggregate classification (germline): Uncertain significance (1 of 4 stars; one submission).

Submission:

Labcorp Genetics (formerly Invitae), Labcorp
Classification: Uncertain significance. Last evaluated: 2024-10-15. Review status: criteria provided, single submitter. Criteria: Invitae Variant Classification Sherloc (09022015). Collection method: clinical testing. Allele origin: germline.
Comment: This variant, c.207_212dup, results in the insertion of 2 amino acid(s) of the NXN protein (p.Pro70_Gly71dup), but otherwise preserves the integrity of the reading frame. The frequency data for this variant in the population databases is considered unreliable, as metrics indicate poor data quality at this position in the gnomAD database. This variant has not been reported in the literature in individuals affected with NXN-related conditions. In summary, the available evidence is currently insufficient to determine the role of this variant in disease. Therefore, it has been classified as a Variant of Uncertain Significance.